The following is an entry in ClinVar:

NM_001142864.4(PIEZO1):c.7128C>T (p.Pro2376=)

Gene: PIEZO1 (piezo type mechanosensitive ion channel component 1 (Er blood group); minus strand). Cytogenetic location: 16q24.3.
Variant type: single nucleotide variant.
Coding change: c.7128C>T on transcript NM_001142864.4 (MANE Select); coding-DNA position 7128, C replaced by T.
Protein change: p.Pro2376=; no amino-acid change (proline 2376 retained).
Molecular consequence: synonymous variant.
Genome position (GRCh38, 1-based): chr16:88,716,199, G>A on the plus strand (C>T on the coding strand, the complement: PIEZO1 is on the minus strand). VCF-style: chr16-88716199-G-A. GRCh37 (hg19) VCF-style: chr16-88782607-G-A.
Other names: c.5670C>T, p.Pro1890= (NM_014745.1).
Identifiers: ClinVar variation 2966040 (VCV002966040.3), dbSNP rs750302950, ClinGen allele CA8231409.
Genomic context (GRCh38, chr16:88,716,199, plus strand): 5'-TCGTTGAGGCCGCAGGTCACCCCTCTCTAGCCTCCCCCAACCCCCACGCCCATACTCACT[G>A]GGCTGCAGCTGCTTCACAGGGTTGGCTTCGGGCCCGTTGGGGGCACGGATGTACTTGGGG-3'
Protein context (NP_001136336.2, residues 2366-2386): PEANPVKQLQ[Pro2376=]NEEADYLGVR

ClinVar aggregate classification (germline): Uncertain significance (1 of 4 stars; one submission).

Allele frequency attached by ClinVar (database versions not stated): gnomAD exomes 0.00001; TOPMed 0.00001; ExAC 0.00010.
gnomAD v4.1: 9 of 1,500,998 alleles (0.0006%); highest among the groups gnomAD compares: Middle Eastern, 0.017%; no homozygotes.

Submission:

Labcorp Genetics (formerly Invitae), Labcorp
Classification: Uncertain significance. Last evaluated: 2023-03-06. Review status: criteria provided, single submitter. Criteria: Invitae Variant Classification Sherloc (09022015). Collection method: clinical testing. Allele origin: germline.
Comment: This sequence change affects codon 2376 of the PIEZO1 mRNA. It is a 'silent' change, meaning that it does not change the encoded amino acid sequence of the PIEZO1 protein. It affects a nucleotide within the consensus splice site. This variant is present in population databases (rs750302950, gnomAD 0.02%). This variant has not been reported in the literature in individuals affected with PIEZO1-related conditions. Algorithms developed to predict the effect of sequence changes on RNA splicing suggest that this variant is not likely to affect RNA splicing. In summary, the available evidence is currently insufficient to determine the role of this variant in disease. Therefore, it has been classified as a Variant of Uncertain Significance.